The following is an entry in ClinVar:

NM_004958.4(MTOR):c.7379G>C (p.Gly2460Ala)

Gene: MTOR (mechanistic target of rapamycin kinase; minus strand). Cytogenetic location: 1p36.22.
Variant type: single nucleotide variant.
Coding change: c.7379G>C on transcript NM_004958.4 (MANE Select); coding-DNA position 7379, G replaced by C.
Protein change: p.Gly2460Ala; replaces glycine 2460 with alanine.
Molecular consequence: missense variant.
Genome position (GRCh38, 1-based): chr1:11,109,717, C>G on the plus strand (G>C on the coding strand, the complement: MTOR is on the minus strand). VCF-style: chr1-11109717-C-G. GRCh37 (hg19) VCF-style: chr1-11169774-C-G.
Other names: c.7379G>C, p.Gly2460Ala (NM_001386500.1); c.6131G>C, p.Gly2044Ala (NM_001386501.1); short protein forms G2044A, G2460A.
Identifiers: ClinVar variation 1441307 (VCV001441307.6), dbSNP rs762795847, ClinGen allele CA338379132.

ClinVar aggregate classification (germline): Uncertain significance (1 of 4 stars; one submission).

Submission:

Labcorp Genetics (formerly Invitae), Labcorp
Classification: Uncertain significance. Last evaluated: 2021-08-01. Review status: criteria provided, single submitter. Criteria: Invitae Variant Classification Sherloc (09022015). Collection method: clinical testing. Allele origin: germline.
Comment: In summary, the available evidence is currently insufficient to determine the role of this variant in disease. Therefore, it has been classified as a Variant of Uncertain Significance. Advanced modeling of protein sequence and biophysical properties (such as structural, functional, and spatial information, amino acid conservation, physicochemical variation, residue mobility, and thermodynamic stability) performed at Invitae indicates that this missense variant is not expected to disrupt MTOR protein function. This variant has not been reported in the literature in individuals affected with MTOR-related conditions. This variant is not present in population databases (ExAC no frequency). This sequence change replaces glycine with alanine at codon 2460 of the MTOR protein (p.Gly2460Ala). The glycine residue is moderately conserved and there is a small physicochemical difference between glycine and alanine.